The following is an entry in ClinVar:

ClinVar aggregate classification (germline): Pathogenic (1 of 4 stars; one submission).

Conditions:
Usher syndrome type 2A. Also called: USHER SYNDROME, TYPE IIA; RETINAL DISEASE IN USHER SYNDROME TYPE IIA, MODIFIER OF. Identifiers: Orphanet 231178, Orphanet 886, MedGen C1848634, MONDO:0010169, OMIM 276901.

Submission:

Center of Genomic medicine, Geneva, University Hospital of Geneva
Classification: Pathogenic for Usher syndrome type 2A. Last evaluated: 2016-11-08. Review status: criteria provided, single submitter. Criteria: ACMG Guidelines, 2015. Collection method: clinical testing. Allele origin: germline. Affected: yes.

NC_000001.10:g.216144119_216591855del447737

Genes: USH2A (usherin; minus strand), USH2A-AS1 (USH2A antisense RNA 1; plus strand), USH2A-AS2 (USH2A antisense RNA 2; plus strand), LOC122152296 (Sharpr-MPRA regulatory region 8762; plus strand), LOC126806009 (MED14-independent group 3 enhancer GRCh37_chr1:216230868-216232067; plus strand) and 1 more. Cytogenetic location: 1q41.
Variant type: Deletion.
Identifiers: ClinVar variation 437432 (VCV000437432.2).